The following is an entry in ClinVar:

NM_000238.4(KCNH2):c.2331C>T (p.Thr777=)

Gene: KCNH2 (potassium voltage-gated channel subfamily H member 2; minus strand). Cytogenetic location: 7q36.1.
Variant type: single nucleotide variant.
Coding change: c.2331C>T on transcript NM_000238.4 (MANE Select); coding-DNA position 2331, C replaced by T.
Protein change: p.Thr777=; no amino-acid change (threonine 777 retained).
Molecular consequence: synonymous variant. On other transcripts: non-coding transcript variant (2).
Genome position (GRCh38, 1-based): chr7:150,950,235, G>A on the plus strand (C>T on the coding strand, the complement: KCNH2 is on the minus strand). VCF-style: chr7-150950235-G-A. GRCh37 (hg19) VCF-style: chr7-150647323-G-A.
Other names: c.1311C>T, p.Thr437= (NM_001204798.2, NM_172057.3); c.2043C>T, p.Thr681= (NM_001406753.1, NM_001406756.1); c.2154C>T, p.Thr718= (NM_001406755.1); c.2031C>T, p.Thr677= (NM_001406757.1); c.2331C>T, p.Thr777= (NM_172056.3).
Identifiers: ClinVar variation 359309 (VCV000359309.28), dbSNP rs41307292, ClinGen allele CA031676.

ClinVar aggregate classification (germline): Conflicting classifications of pathogenicity. Review status: criteria provided, conflicting classifications (1 of 4 stars). 9 submissions from 9 submitters: Uncertain significance (2); Benign (2); Likely benign (5). Last evaluated 2025-12-29.

Conditions:
Cardiovascular phenotype. Identifiers: MedGen CN230736.
Cardiac arrhythmia. Also called: Cardiac rhythm disease; Arrhythmia. Identifiers: MedGen C0003811, MONDO:0007263, HP:0011675.
Long QT syndrome 2 (LQT2). Identifiers: Orphanet 101016, Orphanet 768, MedGen C3150943, MONDO:0013367, OMIM 613688.
Long QT syndrome (LQTS). Identifiers: MedGen C0023976, MeSH D008133, MONDO:0002442. Disease mechanism: loss of function. Inheritance: Various modes of inheritance.

Allele frequency attached by ClinVar (database versions not stated): gnomAD 0.00002; gnomAD exomes 0.00002 and 0.00011; ESP Exome Variant Server 0.00008; TOPMed 0.00008; ExAC 0.00011; 1000 Genomes Project 30x 0.00016; 1000 Genomes Project 0.00020.
gnomAD v4.1: 40 of 1,613,352 alleles (0.0025%); highest among the groups gnomAD compares: East Asian, 0.047%; no homozygotes.

Submissions (9):

Labcorp Genetics (formerly Invitae), Labcorp
Classification: Benign for Long QT syndrome. Last evaluated: 2025-12-29. Review status: criteria provided, single submitter. Criteria: Invitae Variant Classification Sherloc (09022015). Collection method: clinical testing. Allele origin: germline.

All of Us Research Program, National Institutes of Health
Classification: Likely benign for Long QT syndrome. Last evaluated: 2024-01-11. Review status: criteria provided, single submitter. Criteria: ACMG Guidelines, 2015. Collection method: clinical testing. Allele origin: germline. Inheritance: Autosomal dominant inheritance. Observed: 12 variant alleles, 12 heterozygotes.
Comment: This study involves interpretation of variants in research participants for the purpose of population health screening. Participant phenotype was not available at the time of variant classification. Additional details can be found in publication PMID: 35346344, PMCID: PMC8962531

Blueprint Genetics
Classification: Likely benign. Last evaluated: 2020-09-29. Review status: criteria provided, single submitter. Criteria: ACMG Guidelines, 2015. Collection method: clinical testing. Allele origin: germline.

Ambry Genetics
Classification: Likely benign for Cardiovascular phenotype. Last evaluated: 2019-12-20. Review status: criteria provided, single submitter. Criteria: Ambry Variant Classification Scheme 2023. Collection method: clinical testing. Allele origin: germline.

Color Diagnostics, LLC DBA Color Health
Classification: Likely benign for Arrhythmia. Last evaluated: 2018-11-18. Review status: criteria provided, single submitter. Criteria: ACMG Guidelines, 2015. Collection method: clinical testing. Allele origin: germline.

Illumina Laboratory Services, Illumina
Classification: Uncertain significance for Long QT syndrome 2. Last evaluated: 2018-01-13. Review status: criteria provided, single submitter. Criteria: ICSL Variant Classification Criteria 13 December 2019. Collection method: clinical testing. Allele origin: germline.

Women's Health and Genetics/Laboratory Corporation of America, LabCorp
Classification: Benign. Last evaluated: 2016-10-31. Review status: criteria provided, single submitter. Criteria: LabCorp Variant Classification Summary - May 2015. Collection method: clinical testing. Allele origin: germline.
Comment: Variant summary: The c.2331T>C (p.Thr777=) in KCNH2 gene is a synonymous change that involves a non-conserved nucleotide. 5/5 programs in Alamut predict that this variant does not affect a normal splicing, however no functional studies supporting this notion were published at the time of evaluation. The variant is present in control population dataset of ExAC at a frequency of 0.0001 (13/120792 chrs tested), predominantly in individuals of East Asian descent (0.001; 9/8618 chrs tested). These frequencies exceed the estimated maximal expected allele frequency of a pathogenic variant in KCNH2 gene (0.0001). The variant has not, to our knowledge, been reported in affected individuals via publications but was reported as a polymorphism in healthy Chinese controls (Koo, 2006). A clinical diagnostic laboratory cites the variant as a "VOUS." Therefore, taking all available lines of evidence into consideration, the variant of interest has been classified as Benign.

Eurofins Ntd Llc (ga)
Classification: Uncertain significance. Last evaluated: 2016-10-19. Review status: criteria provided, single submitter. Criteria: EGL Classification Definitions 2015. Collection method: clinical testing. Allele origin: germline. Observed: 1 variant allele, 1 heterozygote.

GeneDx
Classification: Likely benign. Last evaluated: 2016-04-28. Review status: criteria provided, single submitter. Criteria: GeneDx Variant Classification (06012015). Collection method: clinical testing. Allele origin: germline. Affected: yes.
Comment: This variant is considered likely benign or benign based on one or more of the following criteria: it is a conservative change, it occurs at a poorly conserved position in the protein, it is predicted to be benign by multiple in silico algorithms, and/or has population frequency not consistent with disease.

Literature cited by the submitters: PubMed 16487223 (cited by Women's Health and Genetics/Laboratory Corporation of America, LabCorp).